The following is an entry in ClinVar:

NM_004586.3(RPS6KA3):c.325+6T>A

Gene: RPS6KA3 (ribosomal protein S6 kinase A3; minus strand). Cytogenetic location: Xp22.12.
Variant type: single nucleotide variant.
Coding change: c.325+6T>A on transcript NM_004586.3 (MANE Select); 6 bases into the intron after coding-DNA position 325, T replaced by A.
Molecular consequence: intron variant.
Genome position (GRCh38, 1-based): chrX:20,204,016, A>T on the plus strand (T>A on the coding strand, the complement: RPS6KA3 is on the minus strand). VCF-style: chrX-20204016-A-T. GRCh37 (hg19) VCF-style: chrX-20222134-A-T.
Identifiers: ClinVar variation 2135076 (VCV002135076.4), dbSNP rs2519797706, ClinGen allele CA2580100449.

ClinVar aggregate classification (germline): Uncertain significance (1 of 4 stars; one submission).

Conditions:
Coffin-Lowry syndrome (CLS). Also called: COFFIN-LOWRY SYNDROME, MILD; Mental retardation with osteocartilaginous abnormalities. Identifiers: Orphanet 192, MedGen C0265252, MONDO:0010561, OMIM 303600.
Intellectual developmental disorder, X-linked 19. Also called: Intellectual disability, X-linked 19. Identifiers: Orphanet 777, MedGen C0796225, MONDO:0010447, OMIM 300844.

Submission:

Labcorp Genetics (formerly Invitae), Labcorp
Classification: Uncertain significance for Coffin-Lowry syndrome; Intellectual developmental disorder, X-linked 19. Last evaluated: 2022-05-07. Review status: criteria provided, single submitter. Criteria: Invitae Variant Classification Sherloc (09022015). Collection method: clinical testing. Allele origin: germline.
Comment: This variant is not present in population databases (gnomAD no frequency). This variant has not been reported in the literature in individuals affected with RPS6KA3-related conditions. Variants that disrupt the consensus splice site are a relatively common cause of aberrant splicing (PMID: 17576681, 9536098). Algorithms developed to predict the effect of sequence changes on RNA splicing suggest that this variant is not likely to affect RNA splicing. In summary, the available evidence is currently insufficient to determine the role of this variant in disease. Therefore, it has been classified as a Variant of Uncertain Significance. This sequence change falls in intron 4 of the RPS6KA3 gene. It does not directly change the encoded amino acid sequence of the RPS6KA3 protein. It affects a nucleotide within the consensus splice site.

Literature cited by the submitters: PubMed 17576681; PubMed 9536098.